The following is an entry in ClinVar:

ClinVar aggregate classification (germline): Uncertain significance. Review status: criteria provided, multiple submitters, no conflicts (2 of 4 stars). 2 submissions from 2 submitters: Uncertain significance (2). Last evaluated 2023-10-03.

gnomAD v4.1: 33 of 1,613,792 alleles (0.002%); highest among the groups gnomAD compares: East Asian, 0.02%; no homozygotes.

Submissions (2):

Labcorp Genetics (formerly Invitae), Labcorp
Classification: Uncertain significance. Last evaluated: 2023-10-03. Review status: criteria provided, single submitter. Criteria: Invitae Variant Classification Sherloc (09022015). Collection method: clinical testing. Allele origin: germline.
Comment: This sequence change replaces alanine, which is neutral and non-polar, with threonine, which is neutral and polar, at codon 470 of the ARHGEF18 protein (p.Ala470Thr). This variant is present in population databases (rs573670041, gnomAD 0.02%). This variant has not been reported in the literature in individuals affected with ARHGEF18-related conditions. ClinVar contains an entry for this variant (Variation ID: 1933578). Algorithms developed to predict the effect of missense changes on protein structure and function output the following: SIFT: "Not Available"; PolyPhen-2: "Benign"; Align-GVGD: "Not Available". The threonine amino acid residue is found in multiple mammalian species, which suggests that this missense change does not adversely affect protein function. In summary, the available evidence is currently insufficient to determine the role of this variant in disease. Therefore, it has been classified as a Variant of Uncertain Significance.

Blueprint Genetics
Classification: Uncertain significance. Last evaluated: 2023-06-05. Review status: criteria provided, single submitter. Criteria: ACMG Guidelines, 2015. Collection method: clinical testing. Allele origin: germline.

NM_001367823.1(ARHGEF18):c.1972G>A (p.Ala658Thr)

Gene: ARHGEF18 (Rho/Rac guanine nucleotide exchange factor 18; plus strand). Cytogenetic location: 19p13.2.
Variant type: single nucleotide variant.
Coding change: c.1972G>A on transcript NM_001367823.1 (MANE Select); coding-DNA position 1972, G replaced by A.
Protein change: p.Ala658Thr; replaces alanine 658 with threonine.
Molecular consequence: missense variant.
Genome position (GRCh38, 1-based): chr19:7,453,583, G>A. VCF-style: chr19-7453583-G-A. GRCh37 (hg19) VCF-style: chr19-7518469-G-A.
Other names: c.1246G>A, p.Ala416Thr (NM_001130955.2); c.934G>A, p.Ala312Thr (NM_001367824.1, NM_015318.4); short protein forms A312T, A416T, A658T.
Identifiers: ClinVar variation 1933578 (VCV001933578.4), dbSNP rs573670041, ClinGen allele CA9136686.
Genomic context (GRCh38, chr19:7,453,583, plus strand): 5'-ATCTCACAAGTGGACGCCAAGGTCAGTGAGTGTGAGAAGGGCCAGCGCCTCAGGGAGATC[G>A]CAGGGAAGATGGACCTGAAGTCTTCCAGCAAACTCAAGAACGGGCTCACCTTCCGCAAGG-3'
Protein context (NP_001354752.1, residues 648-668): CEKGQRLREI[Ala658Thr]GKMDLKSSSK